The following is an entry in ClinVar:

ClinVar aggregate classification (germline): Uncertain significance (1 of 4 stars; one submission).

Conditions:
ADCY3-related disorder. Also called: ADCY3-related condition.

Allele frequency attached by ClinVar (database versions not stated): ExAC 0.00008; gnomAD exomes 0.00016.
gnomAD v4.1: 252 of 1,613,586 alleles (0.016%); highest among the groups gnomAD compares: Non-Finnish European, 0.02%; no homozygotes.

Submission:

PreventionGenetics, part of Exact Sciences
Classification: Uncertain significance for ADCY3-related condition. Last evaluated: 2026-06-19. Review status: criteria provided, single submitter. Criteria: ACMG Guidelines, 2015. Collection method: clinical testing. Allele origin: germline.
Comment: The ADCY3 c.2164G>A variant is predicted to result in the amino acid substitution p.Val722Met. To our knowledge, this variant has not been reported in the literature. This variant is reported in 0.012% of alleles in individuals of European (Non-Finnish) descent in gnomAD. At this time, the clinical significance of this variant is uncertain due to the absence of conclusive functional and genetic evidence.

NM_004036.5(ADCY3):c.2164G>A (p.Val722Met)

Gene: ADCY3 (adenylate cyclase 3; minus strand). Cytogenetic location: 2p23.3.
Variant type: single nucleotide variant.
Coding change: c.2164G>A on transcript NM_004036.5 (MANE Select); coding-DNA position 2164, G replaced by A.
Protein change: p.Val722Met; replaces valine 722 with methionine.
Molecular consequence: missense variant.
Genome position (GRCh38, 1-based): chr2:24,830,717, C>T on the plus strand (G>A on the coding strand, the complement: ADCY3 is on the minus strand). VCF-style: chr2-24830717-C-T. GRCh37 (hg19) VCF-style: chr2-25053586-C-T.
Other names: c.2164G>A, p.Val722Met (NM_001320613.2, NM_001377129.1, NM_001377130.1 and 1 more transcripts); c.2230G>A, p.Val744Met (NM_001377128.1); c.1441G>A, p.Val481Met (NM_001377131.1); short protein forms V481M, V722M, V744M.
Identifiers: ClinVar variation 2634210 (VCV002634210.3), dbSNP rs749288972, ClinGen allele CA1553862.
Genomic context (GRCh38, chr2:24,830,717, plus strand): 5'-CTTCTCCACTGAGAACAGGGGCGTCCCTTCAACAAGGACAGCAGGAGCTCACCATGTCCA[C>T]GACATTTGCCATCACCAGGATGAAGATGGCGAGCATGGCCCAGGTGTTCCTGGCCCAGCG-3'
Protein context (NP_004027.2, residues 712-732): AIFILVMANV[Val722Met]DMLSCLQYYT